The following is an entry in ClinVar:

NM_152419.3(HGSNAT):c.959del (p.Leu320fs)

Gene: HGSNAT (heparan-alpha-glucosaminide N-acetyltransferase; plus strand). Cytogenetic location: 8p11.21.
Variant type: Deletion.
Coding change: c.959del on transcript NM_152419.3 (MANE Select); coding-DNA position 959, one base deleted (T; older notation c.959delT).
Protein change: p.Leu320fs; shifts the reading frame from leucine 320.
Molecular consequence: frameshift variant. On other transcripts: intron variant (1).
Genome position (GRCh38, 1-based): chr8:43,178,181, T deleted. VCF-style (leftmost placement, unchanged base first): chr8-43178180-CT-C. GRCh37 (hg19) VCF-style: chr8-43033323-CT-C.
Other names: c.959del, p.Leu320fs (NM_001363227.2); c.95del, p.Leu32fs (NM_001363229.2); c.821-3964del (NM_001363228.2); short protein forms L320fs, L32fs.
Identifiers: ClinVar variation 2018296 (VCV002018296.4), dbSNP rs2487003169, ClinGen allele CA2580078325.
Genomic context (GRCh38, chr8:43,178,180, plus strand): 5'-ATACTGCAACGGGGGTGTTCAAAATTCAGATTGCTGGGGAAGATTGCATGGAGGAGTTTC[CT>C]GTTAATCTGCATAGGAATTATCATTGTGAATCCCAATTATTGCCTTGGTCCATGTAAGTA-3'

ClinVar aggregate classification (germline): Pathogenic (1 of 4 stars; one submission).

Conditions:
Retinitis pigmentosa 73 (RP73). Identifiers: Orphanet 791, MedGen C4225287, MONDO:0014687, OMIM 616544.
Mucopolysaccharidosis, MPS-III-C (MPS3C). Also called: SANFILIPPO SYNDROME C; MPS III C; Mucopolysaccharidosis type IIIC (Sanfilippo C); MUCOPOLYSACCHARIDOSIS, TYPE IIIC; mucopolysaccharidosis type 3C; MPS IIIC (Sanfilippo Syndrome Type C). Identifiers: Orphanet 581, Orphanet 79271, MedGen C0086649, MONDO:0009657, OMIM 252930.

Submission:

Labcorp Genetics (formerly Invitae), Labcorp
Classification: Pathogenic for Retinitis pigmentosa 73; Mucopolysaccharidosis, MPS-III-C. Last evaluated: 2024-02-09. Review status: criteria provided, single submitter. Criteria: Invitae Variant Classification Sherloc (09022015). Collection method: clinical testing. Allele origin: germline.
Comment: This sequence change creates a premature translational stop signal (p.Leu320Argfs*2) in the HGSNAT gene. It is expected to result in an absent or disrupted protein product. Loss-of-function variants in HGSNAT are known to be pathogenic (PMID: 17033958, 19479962). This variant is not present in population databases (gnomAD no frequency). This variant has not been reported in the literature in individuals affected with HGSNAT-related conditions. ClinVar contains an entry for this variant (Variation ID: 2018296). For these reasons, this variant has been classified as Pathogenic.

Literature cited by the submitters: PubMed 17033958; PubMed 19479962.